The following is an entry in ClinVar:

NM_001159773.2(CANT1):c.47A>G (p.His16Arg)

Gene: CANT1 (calcium activated nucleotidase 1; minus strand). Cytogenetic location: 17q25.3.
Variant type: single nucleotide variant.
Coding change: c.47A>G on transcript NM_001159773.2 (MANE Select); coding-DNA position 47, A replaced by G.
Protein change: p.His16Arg; replaces histidine 16 with arginine.
Molecular consequence: missense variant.
Genome position (GRCh38, 1-based): chr17:78,997,576, T>C on the plus strand (A>G on the coding strand, the complement: CANT1 is on the minus strand). VCF-style: chr17-78997576-T-C. GRCh37 (hg19) VCF-style: chr17-76993658-T-C.
Other names: c.47A>G, p.His16Arg (NM_001159772.2, NM_138793.4); short protein forms H16R.
Identifiers: ClinVar variation 1508949 (VCV001508949.8), dbSNP rs1349567883, ClinGen allele CA401309514.

ClinVar aggregate classification (germline): Uncertain significance (1 of 4 stars; one submission).

Allele frequency attached by ClinVar (database versions not stated): gnomAD exomes below 0.00001.
gnomAD v4.1: 3 of 1,562,360 alleles (0.00019%); highest among the groups gnomAD compares: Non-Finnish European, 0.00017%; no homozygotes.

Submission:

Labcorp Genetics (formerly Invitae), Labcorp
Classification: Uncertain significance. Last evaluated: 2023-05-23. Review status: criteria provided, single submitter. Criteria: Invitae Variant Classification Sherloc (09022015). Collection method: clinical testing. Allele origin: germline.
Comment: This sequence change replaces histidine, which is basic and polar, with arginine, which is basic and polar, at codon 16 of the CANT1 protein (p.His16Arg). An algorithm developed to predict the effect of missense changes on protein structure and function (PolyPhen-2) suggests that this variant is likely to be tolerated. This variant has not been reported in the literature in individuals affected with CANT1-related conditions. ClinVar contains an entry for this variant (Variation ID: 1508949). In summary, the available evidence is currently insufficient to determine the role of this variant in disease. Therefore, it has been classified as a Variant of Uncertain Significance. This variant is not present in population databases (gnomAD no frequency).